The following is an entry in ClinVar:

NM_003403.5(YY1):c.1111C>T (p.Arg371Cys)

Gene: YY1 (YY1 transcription factor; plus strand). Cytogenetic location: 14q32.2.
Variant type: single nucleotide variant.
Coding change: c.1111C>T on transcript NM_003403.5 (MANE Select); coding-DNA position 1111, C replaced by T.
Protein change: p.Arg371Cys; replaces arginine 371 with cysteine.
Molecular consequence: missense variant.
Genome position (GRCh38, 1-based): chr14:100,277,466, C>T. VCF-style: chr14-100277466-C-T. GRCh37 (hg19) VCF-style: chr14-100743803-C-T.
Other names: short protein forms R371C.
Identifiers: ClinVar variation 1186721 (VCV001186721.2), dbSNP rs2139605757, ClinGen allele CA390969405.
Genomic context (GRCh38, chr14:100,277,466, plus strand): 5'-TTTCCTTGACAGTGCACGTTCGAAGGCTGTGGGAAACGCTTTTCACTGGACTTCAATTTG[C>T]GCACACATGTGCGAATCCATACCGGAGACAGGCCCTATGTGTGCCCCTTCGATGGTTGTA-3'
Protein context (NP_003394.1, residues 361-381): GKRFSLDFNL[Arg371Cys]THVRIHTGDR

ClinVar aggregate classification (germline): Pathogenic (1 of 4 stars; one submission).

Submission:

GeneDx
Classification: Pathogenic. Last evaluated: 2019-07-19. Review status: criteria provided, single submitter. Criteria: GeneDx Variant Classification Process June 2021. Collection method: clinical testing. Allele origin: germline. Affected: yes.
Comment: Not observed in large population cohorts (Lek et al., 2016); In silico analysis, which includes protein predictors and evolutionary conservation, supports a deleterious effect; Has not been previously published as pathogenic or benign to our knowledge